The following is an entry in ClinVar:

NM_000264.5(PTCH1):c.1367C>T (p.Thr456Ile)

Gene: PTCH1 (patched 1; minus strand). Cytogenetic location: 9q22.32.
Variant type: single nucleotide variant.
Coding change: c.1367C>T on transcript NM_000264.5 (MANE Select); coding-DNA position 1367, C replaced by T.
Protein change: p.Thr456Ile; replaces threonine 456 with isoleucine.
Molecular consequence: missense variant. On other transcripts: non-coding transcript variant (1), intron variant (1).
Genome position (GRCh38, 1-based): chr9:95,477,683, G>A on the plus strand (C>T on the coding strand, the complement: PTCH1 is on the minus strand). VCF-style: chr9-95477683-G-A. GRCh37 (hg19) VCF-style: chr9-98239965-G-A.
Other names: c.1169C>T, p.Thr390Ile (NM_001083602.3); c.1364C>T, p.Thr455Ile (NM_001083603.3); c.914C>T, p.Thr305Ile (NM_001083604.3, NM_001083605.3, NM_001083606.3 and 1 more transcripts); c.1347+372C>T (NM_001354918.2); short protein forms T305I, T390I, T455I, T456I.
Identifiers: ClinVar variation 4862695 (VCV004862695.1).
Genomic context (GRCh38, chr9:95,477,683, plus strand): 5'-AGCAGGACGCCAGCCAGCCCCACGGCACCCTGGGACTTGGAGCAGTCCCAGCGCAGCATG[G>A]TTAGACAGGCATAGGCGAGCTGCAAGCAGAACAATGGGGGCACAGAACAAAAGCCGAACA-3'
Protein context (NP_000255.2, residues 446-466): YLLMLAYACL[Thr456Ile]MLRWDCSKSQ

ClinVar aggregate classification (germline): Uncertain significance (1 of 4 stars; one submission).

Conditions:
Hereditary cancer-predisposing syndrome. Also called: Neoplastic Syndromes, Hereditary; Tumor predisposition; Hereditary Cancer Syndrome; Hereditary neoplastic syndrome. Identifiers: Orphanet 140162, MedGen C0027672, MeSH D009386, MONDO:0015356.

Submission:

Ambry Genetics
Classification: Uncertain significance for Hereditary cancer-predisposing syndrome. Last evaluated: 2026-05-16. Review status: criteria provided, single submitter. Criteria: Ambry Variant Classification Scheme 2023. Collection method: clinical testing. Allele origin: germline.
Comment: The p.T456I variant (also known as c.1367C>T), located in coding exon 10 of the PTCH1 gene, results from a C to T substitution at nucleotide position 1367. The threonine at codon 456 is replaced by isoleucine, an amino acid with similar properties. This amino acid position is conserved. In addition, this alteration is predicted to be deleterious by in silico analysis. Based on the available evidence, the clinical significance of this variant remains unclear.